The following is an entry in ClinVar:

NM_000380.4(XPA):c.390-13A>C

Gene: XPA (XPA, DNA damage recognition and repair factor; minus strand). Cytogenetic location: 9q22.33.
Variant type: single nucleotide variant.
Coding change: c.390-13A>C on transcript NM_000380.4 (MANE Select); 13 bases into the intron before coding-DNA position 390, A replaced by C.
Molecular consequence: intron variant.
Genome position (GRCh38, 1-based): chr9:97,687,274, T>G on the plus strand (A>C on the coding strand, the complement: XPA is on the minus strand). VCF-style: chr9-97687274-T-G. GRCh37 (hg19) VCF-style: chr9-100449556-T-G.
Other names: c.264-13A>C (NM_001354975.2).
Identifiers: ClinVar variation 364089 (VCV000364089.12), dbSNP rs373762653, ClinGen allele CA5148825.

ClinVar aggregate classification (germline): Conflicting classifications of pathogenicity. Review status: criteria provided, conflicting classifications (1 of 4 stars). 3 submissions from 3 submitters: Uncertain significance (1); Benign (1). 1 of the submissions does not count toward it. Last evaluated 2024-03-01.

Conditions:
XPA-related disorder. Also called: XPA-related condition.

Allele frequency attached by ClinVar (database versions not stated): gnomAD 0.00004 and 0.00012; ESP Exome Variant Server 0.00008; TOPMed 0.00009; ExAC 0.00012.
gnomAD v4.1: 175 of 1,596,482 alleles (0.011%); highest among the groups gnomAD compares: Middle Eastern, 0.29%; 4 homozygotes.

Submissions (3):

Labcorp Genetics (formerly Invitae), Labcorp
Classification: Benign. Last evaluated: 2024-03-01. Review status: criteria provided, single submitter. Criteria: Invitae Variant Classification Sherloc (09022015). Collection method: clinical testing. Allele origin: germline.

Breakthrough Genomics
Classification: Uncertain significance. Review status: criteria provided, single submitter. Criteria: ACMG Guidelines, 2015. Collection method: not provided. Allele origin: germline. Inheritance: Autosomal recessive inheritance. Affected: yes.

PreventionGenetics, part of Exact Sciences
Classification: Likely benign for XPA-related condition. Last evaluated: 2019-09-06. Review status: no assertion criteria provided. Collection method: clinical testing. Allele origin: germline. Not counted in ClinVar's aggregate classification.
Comment: This variant is classified as likely benign based on ACMG/AMP sequence variant interpretation guidelines (Richards et al. 2015 PMID: 25741868, with internal and published modifications).